The following is an entry in ClinVar:

NM_020163.3(SEMA3G):c.134G>A (p.Arg45His)

Gene: SEMA3G (semaphorin 3G; minus strand). Cytogenetic location: 3p21.1.
Variant type: single nucleotide variant.
Coding change: c.134G>A on transcript NM_020163.3 (MANE Select); coding-DNA position 134, G replaced by A.
Protein change: p.Arg45His; replaces arginine 45 with histidine.
Molecular consequence: missense variant.
Genome position (GRCh38, 1-based): chr3:52,442,889, C>T on the plus strand (G>A on the coding strand, the complement: SEMA3G is on the minus strand). VCF-style: chr3-52442889-C-T. GRCh37 (hg19) VCF-style: chr3-52476905-C-T.
Other names: short protein forms R45H.
Identifiers: ClinVar variation 4986776 (VCV004986776.1).

ClinVar aggregate classification (germline): Uncertain significance (1 of 4 stars; one submission).

Conditions:
SEMA3G-related disorder. Also called: SEMA3G-related condition.

gnomAD v4.1: 8 of 1,601,494 alleles (0.0005%); highest among the groups gnomAD compares: African/African-American, 0.004%; no homozygotes.

Submission:

PreventionGenetics, part of Exact Sciences
Classification: Uncertain significance for SEMA3G-related condition. Last evaluated: 2024-11-02. Review status: criteria provided, single submitter. Criteria: ACMG Guidelines, 2015. Collection method: clinical testing. Allele origin: germline.
Comment: The SEMA3G c.134G>A variant is predicted to result in the amino acid substitution p.Arg45His. To our knowledge, this variant has not been reported in the literature. This variant is reported in 0.014% of alleles in individuals of African descent in gnomAD. At this time, the clinical significance of this variant is uncertain due to the absence of conclusive functional and genetic evidence.